The following is an entry in ClinVar:

ClinVar aggregate classification (germline): Uncertain significance (1 of 4 stars; one submission).

Conditions:
Hereditary cancer-predisposing syndrome. Also called: Hereditary Cancer Syndrome; Tumor predisposition; Hereditary neoplastic syndrome; Neoplastic Syndromes, Hereditary. Identifiers: Orphanet 140162, MedGen C0027672, MeSH D009386, MONDO:0015356.

Submission:

Ambry Genetics
Classification: Uncertain significance for Hereditary cancer-predisposing syndrome. Last evaluated: 2024-09-10. Review status: criteria provided, single submitter. Criteria: Ambry Variant Classification Scheme 2023. Collection method: clinical testing. Allele origin: germline.
Comment: The p.N583T variant (also known as c.1748A>C), located in coding exon 14 of the MRE11A gene, results from an A to C substitution at nucleotide position 1748. The asparagine at codon 583 is replaced by threonine, an amino acid with similar properties. This amino acid position is conserved. In addition, this alteration is predicted to be tolerated by in silico analysis. Based on the available evidence, the clinical significance of this variant remains unclear.

NM_005591.4(MRE11):c.1748A>C (p.Asn583Thr)

Gene: MRE11 (MRE11 double strand break repair nuclease; minus strand). Cytogenetic location: 11q21.
Variant type: single nucleotide variant.
Coding change: c.1748A>C on transcript NM_005591.4 (MANE Select); coding-DNA position 1748, A replaced by C.
Protein change: p.Asn583Thr; replaces asparagine 583 with threonine.
Molecular consequence: missense variant.
Genome position (GRCh38, 1-based): chr11:94,447,254, T>G on the plus strand (A>C on the coding strand, the complement: MRE11 is on the minus strand). VCF-style: chr11-94447254-T-G. GRCh37 (hg19) VCF-style: chr11-94180420-T-G.
Other names: c.1748A>C, p.Asn583Thr (NM_001330347.2, NM_005590.4); short protein forms N583T.
Identifiers: ClinVar variation 3397857 (VCV003397857.1).